The following is an entry in ClinVar:

ClinVar aggregate classification (germline): Uncertain significance. Review status: criteria provided, multiple submitters, no conflicts (2 of 4 stars). 3 submissions from 3 submitters: Uncertain significance (3). Last evaluated 2025-06-08.

Conditions:
Hereditary cancer-predisposing syndrome. Also called: Hereditary Cancer Syndrome; Tumor predisposition; Neoplastic Syndromes, Hereditary; Hereditary neoplastic syndrome. Identifiers: Orphanet 140162, MedGen C0027672, MeSH D009386, MONDO:0015356.
Gastrointestinal stromal tumor. Also called: Gastrointestinal stromal tumor, somatic; Gastrointestinal stroma tumor. Identifiers: Orphanet 44890, MedGen C0238198, MeSH D046152, MONDO:0011719, OMIM 606764, HP:0100723.

Allele frequency attached by ClinVar (database versions not stated): gnomAD exomes below 0.00001.
gnomAD v4.1: 3 of 1,613,726 alleles (0.00019%); highest among the groups gnomAD compares: Non-Finnish European, 0.00025%; no homozygotes.

Submissions (3):

Labcorp Genetics (formerly Invitae), Labcorp
Classification: Uncertain significance for Gastrointestinal stromal tumor. Last evaluated: 2025-06-08. Review status: criteria provided, single submitter. Criteria: Invitae Variant Classification Sherloc (09022015). Collection method: clinical testing. Allele origin: germline.
Comment: This sequence change replaces aspartic acid, which is acidic and polar, with asparagine, which is neutral and polar, at codon 759 of the KIT protein (p.Asp759Asn). This variant is present in population databases (rs754826149, gnomAD 0.003%). This variant has not been reported in the literature in individuals affected with KIT-related conditions. ClinVar contains an entry for this variant (Variation ID: 572804). An algorithm developed to predict the effect of missense changes on protein structure and function (PolyPhen-2) suggests that this variant is likely to be disruptive. In summary, the available evidence is currently insufficient to determine the role of this variant in disease. Therefore, it has been classified as a Variant of Uncertain Significance.

Ambry Genetics
Classification: Uncertain significance for Hereditary cancer-predisposing syndrome. Last evaluated: 2025-02-26. Review status: criteria provided, single submitter. Criteria: Ambry Variant Classification Scheme 2023. Collection method: clinical testing. Allele origin: germline.
Comment: The p.D759N variant (also known as c.2275G>A), located in coding exon 16 of the KIT gene, results from a G to A substitution at nucleotide position 2275. The aspartic acid at codon 759 is replaced by asparagine, an amino acid with highly similar properties. This amino acid position is conserved. In addition, this alteration is predicted to be tolerated by in silico analysis. Based on the available evidence, the clinical significance of this variant remains unclear.

Baylor Genetics
Classification: Uncertain significance for Gastrointestinal stromal tumor. Last evaluated: 2023-05-18. Review status: criteria provided, single submitter. Criteria: ACMG Guidelines, 2015. Collection method: clinical testing. Allele origin: unknown.

NM_000222.3(KIT):c.2275G>A (p.Asp759Asn)

Gene: KIT (KIT proto-oncogene, receptor tyrosine kinase; plus strand). Cytogenetic location: 4q12.
Variant type: single nucleotide variant.
Coding change: c.2275G>A on transcript NM_000222.3 (MANE Select); coding-DNA position 2275, G replaced by A.
Protein change: p.Asp759Asn; replaces aspartic acid 759 with asparagine.
Molecular consequence: missense variant.
Genome position (GRCh38, 1-based): chr4:54,731,912, G>A. VCF-style: chr4-54731912-G-A. GRCh37 (hg19) VCF-style: chr4-55598078-G-A.
Other names: c.2263G>A, p.Asp755Asn (NM_001093772.2, NM_001385292.1); c.2278G>A, p.Asp760Asn (NM_001385284.1); c.2272G>A, p.Asp758Asn (NM_001385285.1); c.2260G>A, p.Asp754Asn (NM_001385286.1); c.2266G>A, p.Asp756Asn (NM_001385288.1); c.2275G>A, p.Asp759Asn (NM_001385290.1); short protein forms D759N, D755N, D754N, D756N, D758N, D760N.
Identifiers: ClinVar variation 572804 (VCV000572804.11), dbSNP rs754826149, ClinGen allele CA2923709.